The following is an entry in ClinVar:

ClinVar aggregate classification (germline): Benign (1 of 4 stars; one submission).

gnomAD v4.1: 417,513 of 1,610,990 alleles (26%); highest among the groups gnomAD compares: Non-Finnish European, 27%; 56,763 homozygotes.

Submission:

Mayo Clinic Laboratories, Mayo Clinic
Classification: Benign. Last evaluated: 2023-08-08. Review status: criteria provided, single submitter. Criteria: ACMG Guidelines, 2015. Collection method: clinical testing. Allele origin: germline. Observed: 126 variant alleles.
Comment: BA1, BP4

NM_017902.3(HIF1AN):c.121C>G (p.Pro41Ala)

Gene: HIF1AN (hypoxia inducible factor 1 subunit alpha inhibitor; plus strand). Cytogenetic location: 10q24.31.
Variant type: single nucleotide variant.
Coding change: c.121C>G on transcript NM_017902.3 (MANE Select); coding-DNA position 121, C replaced by G.
Protein change: p.Pro41Ala; replaces proline 41 with alanine.
Molecular consequence: missense variant.
Genome position (GRCh38, 1-based): chr10:100,536,079, C>G. VCF-style: chr10-100536079-C-G. GRCh37 (hg19) VCF-style: chr10-102295836-C-G.
Other names: p.Pro41Ala; short protein forms P41A.
Identifiers: ClinVar variation 4683534 (VCV004683534.1).